The following is an entry in ClinVar:

NM_000520.6(HEXA):c.241C>A (p.Pro81Thr)

Gene: HEXA (hexosaminidase subunit alpha; minus strand). Cytogenetic location: 15q23.
Variant type: single nucleotide variant.
Coding change: c.241C>A on transcript NM_000520.6 (MANE Select); coding-DNA position 241, C replaced by A.
Protein change: p.Pro81Thr; replaces proline 81 with threonine.
Molecular consequence: missense variant. On other transcripts: non-coding transcript variant (1).
Genome position (GRCh38, 1-based): chr15:72,375,732, G>T on the plus strand (C>A on the coding strand, the complement: HEXA is on the minus strand). VCF-style: chr15-72375732-G-T. GRCh37 (hg19) VCF-style: chr15-72668073-G-T.
Other names: c.241C>A, p.Pro81Thr (NM_001318825.2); short protein forms P81T.
Identifiers: ClinVar variation 1380917 (VCV001380917.5), dbSNP rs144231599, ClinGen allele CA272630937.

ClinVar aggregate classification (germline): Uncertain significance (1 of 4 stars; one submission).

Conditions:
Tay-Sachs disease (TSD). Also called: HEXA DEFICIENCY; GM2 gangliosidosis, type 1; Hexosaminidase alpha-subunit deficiency (variant B); Sphingolipidosis, Tay-Sachs; Hexosaminidase A Deficiency; HEXA Disorders. Identifiers: Orphanet 845, MedGen C0039373, MONDO:0010100, OMIM 272800.

Allele frequency attached by ClinVar (database versions not stated): gnomAD exomes below 0.00001 and 0.00001; gnomAD 0.00001; TOPMed 0.00002.
gnomAD v4.1: 4 of 1,614,050 alleles (0.00025%); highest among the groups gnomAD compares: African/African-American, 0.004%; no homozygotes.

Submission:

Labcorp Genetics (formerly Invitae), Labcorp
Classification: Uncertain significance for Tay-Sachs disease. Last evaluated: 2021-09-01. Review status: criteria provided, single submitter. Criteria: Invitae Variant Classification Sherloc (09022015). Collection method: clinical testing. Allele origin: germline.
Comment: This sequence change replaces proline with threonine at codon 81 of the HEXA protein (p.Pro81Thr). The proline residue is moderately conserved and there is a small physicochemical difference between proline and threonine. This variant is not present in population databases (ExAC no frequency). This variant has not been reported in the literature in individuals affected with HEXA-related conditions. Algorithms developed to predict the effect of missense changes on protein structure and function output the following: SIFT: "Tolerated"; PolyPhen-2: "Benign"; Align-GVGD: "Class C0". The threonine amino acid residue is found in multiple mammalian species, which suggests that this missense change does not adversely affect protein function. In summary, the available evidence is currently insufficient to determine the role of this variant in disease. Therefore, it has been classified as a Variant of Uncertain Significance.